The following is an entry in ClinVar:

NM_025114.4(CEP290):c.1623+5G>A

Gene: CEP290 (centrosomal protein 290; minus strand). Cytogenetic location: 12q21.32.
Variant type: single nucleotide variant.
Coding change: c.1623+5G>A on transcript NM_025114.4 (MANE Select); 5 bases into the intron after coding-DNA position 1623, G replaced by A.
Molecular consequence: intron variant.
Genome position (GRCh38, 1-based): chr12:88,118,638, C>T on the plus strand (G>A on the coding strand, the complement: CEP290 is on the minus strand). VCF-style: chr12-88118638-C-T. GRCh37 (hg19) VCF-style: chr12-88512415-C-T.
Other names: c.1623+5G>A (NM_025114.3).
Identifiers: ClinVar variation 427865 (VCV000427865.4), dbSNP rs1555222073, ClinGen allele CA385979079.

ClinVar aggregate classification (germline): Conflicting classifications of pathogenicity. Review status: criteria provided, conflicting classifications (1 of 4 stars). 3 submissions from 3 submitters: Likely pathogenic (1); Uncertain significance (1). 1 of the submissions does not count toward it. Last evaluated 2024-08-05.

Conditions:
Leber congenital amaurosis (LCA). Also called: Leber's amaurosis. Identifiers: Orphanet 65, MedGen C0339527, MeSH D057130, MONDO:0018998.

Allele frequency attached by ClinVar (database versions not stated): gnomAD exomes below 0.00001.
gnomAD v4.1: 2 of 1,612,532 alleles (0.00012%); highest among the groups gnomAD compares: Non-Finnish European, 0.00017%; no homozygotes.

Submissions (3):

Blueprint Genetics
Classification: Uncertain significance. Last evaluated: 2024-08-05. Review status: criteria provided, single submitter. Criteria: ACMG Guidelines, 2015. Collection method: clinical testing. Allele origin: germline.

Natera, Inc.
Classification: Likely pathogenic for Leber congenital amaurosis. Last evaluated: 2024-07-01. Review status: criteria provided, single submitter. Criteria: Natera Variant Classification Schema (03/2026). Collection method: clinical testing. Allele origin: germline.
Comment: The c.1623+5G>A variant in CEP290 is an intronic variant located outside the canonical splice sites. This variant is rare in the general population with a frequency below the threshold expected for the associated phenotype(s). This variant has been observed in one or more individuals affected with the associated recessive disease, as either homozygous or compound heterozygous with a second variant (PMID: 28714225). Functional studies show that this variant may disrupt protein function (PMID: 28714225). Computational prediction algorithms indicate this variant is likely to affect gene or protein function. Given the available evidence, this variant is classified as Likely Pathogenic.

Rui Chen Lab, Baylor College of Medicine
Classification: Pathogenic for Leber congenital amaurosis. Last evaluated: 2017-05-09. Review status: no assertion criteria provided. Collection method: research. Allele origin: germline. Affected: yes. Not counted in ClinVar's aggregate classification.
Comment: An in vitrominigene system was used to confirm that the variant disrupts splicing

Literature cited by the submitters: PubMed 28714225 (cited by Natera, Inc.).